The following is an entry in ClinVar:

NM_003477.3(PDHX):c.789A>G (p.Val263=)

Gene: PDHX (pyruvate dehydrogenase complex component X; plus strand). Cytogenetic location: 11p13.
Variant type: single nucleotide variant.
Coding change: c.789A>G on transcript NM_003477.3 (MANE Select); coding-DNA position 789, A replaced by G.
Protein change: p.Val263=; no amino-acid change (valine 263 retained).
Molecular consequence: synonymous variant. On other transcripts: intron variant (1).
Genome position (GRCh38, 1-based): chr11:34,966,787, A>G. VCF-style: chr11-34966787-A-G. GRCh37 (hg19) VCF-style: chr11-34988334-A-G.
Other names: c.609A>G, p.Val203= (NM_001135024.2); c.343-17783A>G (NM_001166158.2).
Identifiers: ClinVar variation 513956 (VCV000513956.6), dbSNP rs755428861, ClinGen allele CA220466423.

ClinVar aggregate classification (germline): Likely benign. Review status: criteria provided, multiple submitters, no conflicts (2 of 4 stars). 3 submissions from 3 submitters: Likely benign (3). Last evaluated 2026-06-01.

Allele frequency attached by ClinVar (database versions not stated): gnomAD 0.00002; gnomAD exomes 0.00002; TOPMed 0.00002.
gnomAD v4.1: 33 of 1,613,850 alleles (0.002%); highest among the groups gnomAD compares: Middle Eastern, 0.033%; no homozygotes.

Submissions (3):

CeGaT Center for Human Genetics Tuebingen
Classification: Likely benign. Last evaluated: 2026-06-01. Review status: criteria provided, single submitter. Criteria: CeGaT Center For Human Genetics Tuebingen Variant Classification Criteria Version 2. Collection method: clinical testing. Allele origin: germline. Affected: yes. Observed: 1 variant allele.
Comment: PDHX: BP4, BP7

Labcorp Genetics (formerly Invitae), Labcorp
Classification: Likely benign. Last evaluated: 2018-07-07. Review status: criteria provided, single submitter. Criteria: Invitae Variant Classification Sherloc (09022015). Collection method: clinical testing. Allele origin: germline.

GeneDx
Classification: Likely benign. Last evaluated: 2017-12-22. Review status: criteria provided, single submitter. Criteria: GeneDx Variant Classification (06012015). Collection method: clinical testing. Allele origin: germline. Affected: yes.
Comment: This variant is considered likely benign or benign based on one or more of the following criteria: it is a conservative change, it occurs at a poorly conserved position in the protein, it is predicted to be benign by multiple in silico algorithms, and/or has population frequency not consistent with disease.